The following is an entry in ClinVar:

ClinVar aggregate classification (germline): Uncertain significance (1 of 4 stars; one submission).

Submission:

GeneDx
Classification: Uncertain significance. Last evaluated: 2024-03-01. Review status: criteria provided, single submitter. Criteria: GeneDx Variant Classification Process June 2021. Collection method: clinical testing. Allele origin: germline. Affected: yes.
Comment: Not observed at significant frequency in large population cohorts (gnomAD); In silico analysis supports that this missense variant has a deleterious effect on protein structure/function; Has not been previously published as pathogenic or benign to our knowledge

NM_020795.4(NLGN2):c.2333A>T (p.Asp778Val)

Gene: NLGN2 (neuroligin 2; plus strand). Cytogenetic location: 17p13.1.
Variant type: single nucleotide variant.
Coding change: c.2333A>T on transcript NM_020795.4 (MANE Select); coding-DNA position 2333, A replaced by T.
Protein change: p.Asp778Val; replaces aspartic acid 778 with valine.
Molecular consequence: missense variant.
Genome position (GRCh38, 1-based): chr17:7,417,624, A>T. VCF-style: chr17-7417624-A-T. GRCh37 (hg19) VCF-style: chr17-7320943-A-T.
Other names: short protein forms D778V.
Identifiers: ClinVar variation 3373226 (VCV003373226.1).
Genomic context (GRCh38, chr17:7,417,624, plus strand): 5'-CCGAGGCTCTGCGCCCTGCCTGCCCGCCCGACTACACCCTGGCCCTGCGCCGGGCACCGG[A>T]CGATGTGCCTCTCTTGGCCCCCGGGGCCCTGACCCTGCTGCCCAGTGGCCTGGGGCCACC-3'
Protein context (NP_065846.1, residues 768-788): DYTLALRRAP[Asp778Val]DVPLLAPGAL